The following is an entry in ClinVar:

ClinVar aggregate classification (germline): Pathogenic (1 of 4 stars; one submission).

gnomAD v4.1: 7 of 1,613,940 alleles (0.00043%); highest among the groups gnomAD compares: East Asian, 0.0022%; no homozygotes.

Submission:

GeneDx
Classification: Pathogenic. Last evaluated: 2025-04-14. Review status: criteria provided, single submitter. Criteria: GeneDx Variant Classification Process June 2021. Collection method: clinical testing. Allele origin: germline. Affected: yes.
Comment: Identified in the homozygous or compound heterozygous state in several unrelated individuals with clinical findings of autosomal recessive INSR-related disorders referred for genetic testing at GeneDx and in published literature (PMID: 8881457, 29483803, 25741786); Nonsense variant predicted to result in protein truncation or nonsense mediated decay in a gene for which loss of function is a known mechanism of disease; Not observed at significant frequency in large population cohorts (gnomAD); This variant is associated with the following publications: (PMID: 25525159, 8881457, 29483803, 25741786)

NM_000208.4(INSR):c.2437C>T (p.Arg813Ter)

Gene: INSR (insulin receptor; minus strand). Cytogenetic location: 19p13.2.
Variant type: single nucleotide variant.
Coding change: c.2437C>T on transcript NM_000208.4 (MANE Select); coding-DNA position 2437, C replaced by T.
Protein change: p.Arg813Ter; replaces arginine 813 with a stop codon.
Molecular consequence: nonsense.
Genome position (GRCh38, 1-based): chr19:7,142,921, G>A on the plus strand (C>T on the coding strand, the complement: INSR is on the minus strand). VCF-style: chr19-7142921-G-A. GRCh37 (hg19) VCF-style: chr19-7142932-G-A.
Other names: c.2401C>T, p.Arg801Ter (NM_001079817.3); short protein forms R801*, R813*.
Identifiers: ClinVar variation 4282352 (VCV004282352.1).
Genomic context (GRCh38, chr19:7,142,921, plus strand): 5'-GTTCCTCAGGGGTGTCCTGGTTGCAAGCCTGCAGCTCGATGCGATAGCCCGTGAAGTGTC[G>A]CAAGCCGGAGATGACCAGCGACTCCTTGTTCACCACCTTCTCAAAAGGCCTGTGCTCCTC-3'